The following is an entry in ClinVar:

NC_000008.10:g.(?_116599208)_(116635864_?)dup

Gene: TRPS1 (transcriptional repressor GATA binding 1; minus strand). Cytogenetic location: 8q23.3.
Variant type: Duplication.
Identifiers: ClinVar variation 1456376 (VCV001456376.7).

ClinVar aggregate classification (germline): Pathogenic (1 of 4 stars; one submission).

Conditions:
Trichorhinophalangeal syndrome, type III (TRPS3). Also called: SUGIO-KAJII SYNDROME. Identifiers: Orphanet 77258, MedGen C1860823, OMIM 190351, MONDO:0008597.
Trichorhinophalangeal dysplasia type I (TRPS1). Also called: TRPS I; TRICHORHINOPHALANGEAL SYNDROME, TYPE I. Identifiers: Orphanet 77258, MedGen C0432233, MONDO:0008596, OMIM 190350.

Submission:

Labcorp Genetics (formerly Invitae), Labcorp
Classification: Pathogenic for Trichorhinophalangeal syndrome, type III; Trichorhinophalangeal dysplasia type I. Last evaluated: 2023-01-26. Review status: criteria provided, single submitter. Criteria: Invitae Variant Classification Sherloc (09022015). Collection method: clinical testing. Allele origin: germline.
Comment: A similar copy number variant has been observed in individual(s) with TRPS1-related conditions (Invitae). In at least one individual the variant was observed to be de novo. This variant results in a copy number gain of the genomic region encompassing exon(s) 2-5 of the TRPS1 gene. This region includes the initiator codon of the gene. This copy number gain extends beyond the assayed region for this gene and therefore may encompass additional genes. As the precise location of this event is unknown, it may be in tandem or it may be located elsewhere in the genome. Experimental studies and prediction algorithms are not available or were not evaluated, and the functional significance of this variant is currently unknown. For these reasons, this variant has been classified as Pathogenic.